The following is an entry in ClinVar:

NM_000059.4(BRCA2):c.2047T>C (p.Ser683Pro)

Gene: BRCA2 (BRCA2 DNA repair associated; plus strand). Cytogenetic location: 13q13.1.
Variant type: single nucleotide variant.
Coding change: c.2047T>C on transcript NM_000059.4 (MANE Select); coding-DNA position 2047, T replaced by C.
Protein change: p.Ser683Pro; replaces serine 683 with proline.
Molecular consequence: missense variant.
Genome position (GRCh38, 1-based): chr13:32,336,402, T>C. VCF-style: chr13-32336402-T-C. GRCh37 (hg19) VCF-style: chr13-32910539-T-C.
Other names: S683P; c.2047T>C, p.Ser683Pro (NM_001406719.1, NM_001406720.1).
Identifiers: ClinVar variation 91769 (VCV000091769.12), dbSNP rs398122740, ClinGen allele CA014223.

ClinVar aggregate classification (germline): Conflicting classifications of pathogenicity. Review status: criteria provided, conflicting classifications (1 of 4 stars). 4 submissions from 4 submitters: Uncertain significance (2); Likely benign (1). 1 of the submissions does not count toward it. Last evaluated 2026-06-23.

Conditions:
Hereditary cancer-predisposing syndrome. Also called: Neoplastic Syndromes, Hereditary; Hereditary neoplastic syndrome; Hereditary Cancer Syndrome; Tumor predisposition. Identifiers: Orphanet 140162, MedGen C0027672, MeSH D009386, MONDO:0015356.
Hereditary breast ovarian cancer syndrome. Also called: BRCA1- and BRCA2-Associated Hereditary Breast and Ovarian Cancer; Hereditary breast and ovarian cancer syndrome (HBOC); Hereditary breast and ovarian cancer syndrome; Hereditary breast and/or ovarian cancer syndrome; Breast and ovarian cancer; Hereditary breast and ovarian cancer. Identifiers: Orphanet 145, MedGen C0677776, MeSH D061325, MONDO:0003582. Disease mechanism: loss of function.
Breast-ovarian cancer, familial, susceptibility to, 2 (BROVCA2). Also called: BRCA2 Hereditary Breast and Ovarian Cancer. Identifiers: Orphanet 145, MedGen C2675520, MONDO:0012933, OMIM 612555. Disease mechanism: loss of function.

Submissions (4):

Ambry Genetics
Classification: Uncertain significance for Hereditary cancer-predisposing syndrome. Last evaluated: 2026-06-23. Review status: criteria provided, single submitter. Criteria: Ambry Variant Classification Scheme 2023. Collection method: clinical testing. Allele origin: germline.
Comment: The p.S683P variant (also known as c.2047T>C), located in coding exon 10 of the BRCA2 gene, results from a T to C substitution at nucleotide position 2047. The serine at codon 683 is replaced by proline, an amino acid with similar properties. This amino acid position is not well conserved in available vertebrate species. In addition, the in silico prediction for this alteration is inconclusive. Based on the available evidence, the clinical significance of this variant remains unclear.

University of Washington Department of Laboratory Medicine, University of Washington
Classification: Likely benign for Hereditary cancer-predisposing syndrome. Last evaluated: 2023-03-23. Review status: criteria provided, single submitter. Criteria: Dines et al. (Genet Med. 2020). Collection method: curation. Allele origin: germline.
Comment: Missense variant in a coldspot region where missense variants are very unlikely to be pathogenic (PMID:31911673).

BRCA2 exon 11 coldspot. Reclassification based on statistical prior probability.

Labcorp Genetics (formerly Invitae), Labcorp
Classification: Uncertain significance for Hereditary breast ovarian cancer syndrome. Last evaluated: 2021-09-29. Review status: criteria provided, single submitter. Criteria: Invitae Variant Classification Sherloc (09022015). Collection method: clinical testing. Allele origin: germline.
Comment: ClinVar contains an entry for this variant (Variation ID: 91769). In summary, the available evidence is currently insufficient to determine the role of this variant in disease. Therefore, it has been classified as a Variant of Uncertain Significance. Advanced modeling of protein sequence and biophysical properties (such as structural, functional, and spatial information, amino acid conservation, physicochemical variation, residue mobility, and thermodynamic stability) performed at Invitae indicates that this missense variant is not expected to disrupt BRCA2 protein function. This missense change has been observed in individual(s) with breast and/or ovarian cancer (PMID: 21318380). This variant is not present in population databases (ExAC no frequency). This sequence change replaces serine with proline at codon 683 of the BRCA2 protein (p.Ser683Pro). The serine residue is moderately conserved and there is a moderate physicochemical difference between serine and proline.

Sharing Clinical Reports Project (SCRP)
Classification: Uncertain significance for Breast-ovarian cancer, familial 2. Last evaluated: 2006-01-30. Review status: no assertion criteria provided. Collection method: clinical testing. Allele origin: germline. Not counted in ClinVar's aggregate classification.

Literature cited by the submitters: PubMed 21318380 (cited by Labcorp Genetics (formerly Invitae), Labcorp).